The following is an entry in ClinVar:

ClinVar aggregate classification (germline): Pathogenic (1 of 4 stars; one submission).

Submission:

GeneDx
Classification: Pathogenic. Last evaluated: 2025-06-18. Review status: criteria provided, single submitter. Criteria: GeneDx Variant Classification Process June 2021. Collection method: clinical testing. Allele origin: germline. Affected: yes.
Comment: Frameshift variant predicted to result in protein truncation or nonsense mediated decay in a gene for which loss of function is a known mechanism of disease; Not observed at significant frequency in large population cohorts (gnomAD); Has not been previously published as pathogenic or benign to our knowledge

NM_004815.4(ARHGAP29):c.2547_2550dup (p.Ile851fs)

Gene: ARHGAP29 (Rho GTPase activating protein 29; minus strand). Cytogenetic location: 1p22.1.
Variant type: Microsatellite.
Coding change: c.2547_2550dup on transcript NM_004815.4 (MANE Select); coding-DNA positions 2547 to 2550, 4 bases duplicated (TCTC; older notation c.2547_2550dupTCTC).
Protein change: p.Ile851fs; shifts the reading frame from isoleucine 851.
Molecular consequence: frameshift variant.
Genome position (GRCh38, 1-based): chr1:94,178,098-94,178,101, GAGA duplicated on the plus strand (TCTC on the coding strand, the reverse complement: ARHGAP29 is on the minus strand). VCF-style (leftmost placement, unchanged base first): chr1-94178097-T-TGAGA. GRCh37 (hg19) VCF-style: chr1-94643653-T-TGAGA.
Other names: c.2547_2550dup, p.Ile851fs (NM_001328664.2); c.2355_2358dup, p.Ile787fs (NM_001328665.2, NM_001328667.2); c.2520_2523dup, p.Ile842fs (NM_001328666.2); short protein forms I787fs, I842fs, I851fs.
Identifiers: ClinVar variation 4538608 (VCV004538608.1).